The following is an entry in ClinVar:

NM_001384732.1(CPLANE1):c.9155C>T (p.Ser3052Phe)

Gene: CPLANE1 (ciliogenesis and planar polarity effector complex subunit 1; minus strand). Cytogenetic location: 5p13.2.
Variant type: single nucleotide variant.
Coding change: c.9155C>T on transcript NM_001384732.1 (MANE Select); coding-DNA position 9155, C replaced by T.
Protein change: p.Ser3052Phe; replaces serine 3052 with phenylalanine.
Molecular consequence: missense variant.
Genome position (GRCh38, 1-based): chr5:37,121,647, G>A on the plus strand (C>T on the coding strand, the complement: CPLANE1 is on the minus strand). VCF-style: chr5-37121647-G-A. GRCh37 (hg19) VCF-style: chr5-37121749-G-A.
Other names: c.8993C>T, p.Ser2998Phe (NM_023073.4); short protein forms S3052F, S2998F.
Identifiers: ClinVar variation 1380970 (VCV001380970.6), dbSNP rs557372169, ClinGen allele CA359495170.

ClinVar aggregate classification (germline): Uncertain significance (1 of 4 stars; one submission).

gnomAD v4.1: 1 of 1,614,170 alleles (0.000062%); highest among the groups gnomAD compares: African/African-American, 0.0013%; no homozygotes.

Submission:

Labcorp Genetics (formerly Invitae), Labcorp
Classification: Uncertain significance. Last evaluated: 2022-11-01. Review status: criteria provided, single submitter. Criteria: Invitae Variant Classification Sherloc (09022015). Collection method: clinical testing. Allele origin: germline.
Comment: In summary, the available evidence is currently insufficient to determine the role of this variant in disease. Therefore, it has been classified as a Variant of Uncertain Significance. Advanced modeling of protein sequence and biophysical properties (such as structural, functional, and spatial information, amino acid conservation, physicochemical variation, residue mobility, and thermodynamic stability) performed at Invitae indicates that this missense variant is not expected to disrupt CPLANE1 protein function. ClinVar contains an entry for this variant (Variation ID: 1380970). This variant has not been reported in the literature in individuals affected with CPLANE1-related conditions. This variant is not present in population databases (gnomAD no frequency). This sequence change replaces serine, which is neutral and polar, with phenylalanine, which is neutral and non-polar, at codon 2998 of the CPLANE1 protein (p.Ser2998Phe).